The following is an entry in ClinVar:

NM_001377.3(DYNC2H1):c.5882dup (p.Ala1962fs)

Gene: DYNC2H1 (dynein cytoplasmic 2 heavy chain 1; plus strand). Cytogenetic location: 11q22.3.
Variant type: Duplication.
Coding change: c.5882dup on transcript NM_001377.3 (MANE Select); coding-DNA position 5882, one base duplicated (A; older notation c.5882dupA).
Protein change: p.Ala1962fs; shifts the reading frame from alanine 1962.
Molecular consequence: frameshift variant.
Genome position (GRCh38, 1-based): chr11:103,177,563, A duplicated; the last of 5 consecutive A bases (chr11:103,177,559-103,177,563); duplicating any one gives the same sequence. VCF-style (leftmost placement, unchanged base first): chr11-103177558-C-CA. GRCh37 (hg19) VCF-style: chr11-103048287-C-CA.
Other names: c.5882dup, p.Ala1962fs (NM_001080463.2); short protein forms A1962fs.
Identifiers: ClinVar variation 2879416 (VCV002879416.3), dbSNP rs1861877403, ClinGen allele CA1996415631.
Genomic context (GRCh38, chr11:103,177,558, plus strand): 5'-AGAACTAAGTATGATTGAATATTATAAATCATATATGAACATATTTCTTTCCTACTAGAT[C>CA]AAAAAGGCTTTAGAATTGTATGAACAGTTATGCCAGAGGATGGGAGTTGTTATTGTTGGT-3'

ClinVar aggregate classification (germline): Pathogenic (1 of 4 stars; one submission).

Conditions:
Jeune thoracic dystrophy. Also called: Short-rib thoracic dysplasia; Jeune syndrome; Infantile thoracic dystrophy; Thoracic pelvic phalangeal dystrophy; Jeune's syndrome; Chondroectodermal dysplasia-like syndrome. Identifiers: Orphanet 474, MedGen C0265275, MONDO:0018770.

Submission:

Labcorp Genetics (formerly Invitae), Labcorp
Classification: Pathogenic for Jeune thoracic dystrophy. Last evaluated: 2023-11-14. Review status: criteria provided, single submitter. Criteria: Invitae Variant Classification Sherloc (09022015). Collection method: clinical testing. Allele origin: germline.
Comment: This sequence change creates a premature translational stop signal (p.Ala1962Glyfs*6) in the DYNC2H1 gene. It is expected to result in an absent or disrupted protein product. Loss-of-function variants in DYNC2H1 are known to be pathogenic (PMID: 23339108, 32753734, 33755199). This variant is not present in population databases (gnomAD no frequency). This variant has not been reported in the literature in individuals affected with DYNC2H1-related conditions. For these reasons, this variant has been classified as Pathogenic.

Literature cited by the submitters: PubMed 23339108; PubMed 32753734; PubMed 33755199.